The following is an entry in ClinVar:

NM_000179.3(MSH6):c.3883C>T (p.Pro1295Ser)

Gene: MSH6 (mutS homolog 6; plus strand). Cytogenetic location: 2p16.3.
Variant type: single nucleotide variant.
Coding change: c.3883C>T on transcript NM_000179.3 (MANE Select); coding-DNA position 3883, C replaced by T.
Protein change: p.Pro1295Ser; replaces proline 1295 with serine.
Molecular consequence: missense variant.
Genome position (GRCh38, 1-based): chr2:47,806,533, C>T. VCF-style: chr2-47806533-C-T. GRCh37 (hg19) VCF-style: chr2-48033672-C-T.
Other names: c.3493C>T, p.Pro1165Ser (NM_001281492.2); c.2977C>T, p.Pro993Ser (NM_001281493.2, NM_001281494.2); short protein forms P1165S, P1295S, P993S.
Identifiers: ClinVar variation 1057697 (VCV001057697.11), dbSNP rs2104558109, ClinGen allele CA346761383.

ClinVar aggregate classification (germline): Uncertain significance. Review status: criteria provided, multiple submitters, no conflicts (2 of 4 stars). 3 submissions from 3 submitters: Uncertain significance (3). Last evaluated 2025-03-24.

Conditions:
Hereditary nonpolyposis colorectal neoplasms. Identifiers: MedGen C0009405, MeSH D003123.
Hereditary cancer-predisposing syndrome. Also called: Hereditary Cancer Syndrome; Tumor predisposition; Hereditary neoplastic syndrome; Neoplastic Syndromes, Hereditary. Identifiers: Orphanet 140162, MedGen C0027672, MeSH D009386, MONDO:0015356.
Endometrial carcinoma. Also called: Endometrial carcinoma, somatic. Identifiers: MedGen C0476089, MONDO:0002447, OMIM 608089, HP:0012114.

Submissions (3):

Color Diagnostics, LLC DBA Color Health
Classification: Uncertain significance for Hereditary cancer-predisposing syndrome. Last evaluated: 2025-03-24. Review status: criteria provided, single submitter. Criteria: ACMG Guidelines, 2015. Collection method: clinical testing. Allele origin: germline.
Comment: This missense variant replaces proline with serine at codon 1295 of the MSH6 protein. Computational prediction suggests that this variant may have deleterious impact on protein structure and function. To our knowledge, functional studies have not been reported for this variant. This variant has not been reported in individuals affected with MSH6-related disorders in the literature. This variant has not been identified in the general population by the Genome Aggregation Database (gnomAD). The available evidence is insufficient to determine the role of this variant in disease conclusively. Therefore, this variant is classified as a Variant of Uncertain Significance.

Baylor Genetics
Classification: Uncertain significance for Endometrial carcinoma. Last evaluated: 2023-08-24. Review status: criteria provided, single submitter. Criteria: ACMG Guidelines, 2015. Collection method: clinical testing. Allele origin: unknown.

Labcorp Genetics (formerly Invitae), Labcorp
Classification: Uncertain significance for Hereditary nonpolyposis colorectal neoplasms. Last evaluated: 2020-08-22. Review status: criteria provided, single submitter. Criteria: Invitae Variant Classification Sherloc (09022015). Collection method: clinical testing. Allele origin: germline.
Comment: In summary, the available evidence is currently insufficient to determine the role of this variant in disease. Therefore, it has been classified as a Variant of Uncertain Significance. This sequence change replaces proline with serine at codon 1295 of the MSH6 protein (p.Pro1295Ser). The proline residue is highly conserved and there is a moderate physicochemical difference between proline and serine. This variant is not present in population databases (ExAC no frequency). This variant has not been reported in the literature in individuals with MSH6-related conditions. Advanced modeling of protein sequence and biophysical properties (such as structural, functional, and spatial information, amino acid conservation, physicochemical variation, residue mobility, and thermodynamic stability) performed at Invitae indicates that this missense variant is expected to disrupt MSH6 protein function.